The following is an entry in ClinVar:

NM_153252.5(BRWD3):c.2325+5G>A

Gene: BRWD3 (bromodomain and WD repeat domain containing 3; minus strand). Cytogenetic location: Xq21.1.
Variant type: single nucleotide variant.
Coding change: c.2325+5G>A on transcript NM_153252.5 (MANE Select); 5 bases into the intron after coding-DNA position 2325, G replaced by A.
Molecular consequence: intron variant.
Genome position (GRCh38, 1-based): chrX:80,716,152, C>T on the plus strand (G>A on the coding strand, the complement: BRWD3 is on the minus strand). VCF-style: chrX-80716152-C-T. GRCh37 (hg19) VCF-style: chrX-79971651-C-T.
Identifiers: ClinVar variation 252790 (VCV000252790.27), dbSNP rs186391561, ClinGen allele CA10462057.
Genomic context (GRCh38, chrX:80,716,152, plus strand): 5'-AAAAGCCTATTATCTACAAATATCTGCAAATAGTGTATCCCAAAGTATTGTAAAACTATA[C>T]TTACCCTTTGAGTAGTGTAAGATGGCTTTTTCTTCTTTTCAACTGTATAAAGACTGATTT-3'

ClinVar aggregate classification (germline): Benign/Likely benign. Review status: criteria provided, multiple submitters, no conflicts (2 of 4 stars). 10 submissions from 10 submitters: Benign (5); Likely benign (3). 2 of the submissions do not count toward it. Last evaluated 2026-02-03.

Conditions:
Inborn genetic diseases. Identifiers: MedGen C0950123, MeSH D030342.
Intellectual developmental disorder, X-linked 93. Also called: Intellectual disability, X-linked 93; MENTAL RETARDATION, X-LINKED, WITH MACROCEPHALY. Identifiers: MedGen C1970841, MONDO:0010393, OMIM 300659.

Allele frequency attached by ClinVar (database versions not stated): 1000 Genomes Project 30x 0.00104; 1000 Genomes Project 0.00106; TOPMed 0.00467; gnomAD 0.00538 and 0.00565; gnomAD exomes 0.00613 and 0.00804; ExAC 0.00629; ESP Exome Variant Server 0.00767.
gnomAD v4.1: 9,141 of 1,179,577 alleles (0.77%); highest among the groups gnomAD compares: Non-Finnish European, 0.89%; 45 homozygotes.

Submissions (19):

Labcorp Genetics (formerly Invitae), Labcorp
Classification: Benign. Last evaluated: 2026-02-03. Review status: criteria provided, single submitter. Criteria: Invitae Variant Classification Sherloc (09022015). Collection method: clinical testing. Allele origin: germline.

Blueprint Genetics
Classification: Likely benign. Last evaluated: 2024-11-28. Review status: criteria provided, single submitter. Criteria: ACMG Guidelines, 2015. Collection method: clinical testing. Allele origin: germline.

Fulgent Genetics
Classification: Likely benign for Intellectual developmental disorder, X-linked 93. Last evaluated: 2022-01-06. Review status: criteria provided, single submitter. Criteria: ACMG Guidelines, 2015. Collection method: clinical testing. Allele origin: unknown.

GeneDx
Classification: Benign. Last evaluated: 2019-08-08. Review status: criteria provided, single submitter. Criteria: GeneDx Variant Classification Process June 2021. Collection method: clinical testing. Allele origin: germline. Affected: yes.

Mendelics
Classification: Likely benign for Intellectual developmental disorder, X-linked 93. Last evaluated: 2019-05-28. Review status: criteria provided, single submitter. Criteria: Mendelics Assertion Criteria 2017. Collection method: clinical testing. Allele origin: unknown.

Illumina Laboratory Services, Illumina
Classification: Benign for Intellectual developmental disorder, X-linked 93. Last evaluated: 2018-01-13. Review status: criteria provided, single submitter. Criteria: ICSL Variant Classification Criteria 13 December 2019. Collection method: clinical testing. Allele origin: germline.
Comment: This variant was observed in the ICSL laboratory as part of a predisposition screen in an ostensibly healthy population. It had not been previously curated by ICSL or reported in the Human Gene Mutation Database (HGMD: prior to June 1st, 2018), and was therefore a candidate for classification through an automated scoring system. Utilizing variant allele frequency, disease prevalence and penetrance estimates, and inheritance mode, an automated score was calculated to assess if this variant is too frequent to cause the disease. Based on the score and internal cut-off values, a variant classified as benign is not then subjected to further curation. The score for this variant resulted in a classification of benign for this disease.

Ambry Genetics
Classification: Benign for Inborn genetic diseases. Last evaluated: 2016-07-01. Review status: criteria provided, single submitter. Criteria: Ambry Variant Classification Scheme 2023. Collection method: clinical testing. Allele origin: germline.

Genomic Diagnostic Laboratory, Division of Genomic Diagnostics, Children's Hospital of Philadelphia
Classification: Benign. Last evaluated: 2015-09-03. Review status: criteria provided, single submitter. Criteria: DGD Variant Analysis Guidelines. Collection method: clinical testing. Allele origin: unknown.

Dr. Peter K. Rogan Lab, Western University
No classification provided (evidence only). Condition: Clear cell carcinoma of kidney. Review status: no classification provided. Collection method: in vitro. Allele origin: not applicable. Functional consequence: retained intron. Not counted in ClinVar's aggregate classification.

Dr. Peter K. Rogan Lab, Western University
No classification provided (evidence only). Condition: Familial cancer of breast. Review status: no classification provided. Collection method: in vitro. Allele origin: not applicable. Functional consequence: retained intron. Not counted in ClinVar's aggregate classification.

Dr. Peter K. Rogan Lab, Western University
No classification provided (evidence only). Condition: Acute myeloid leukemia. Review status: no classification provided. Collection method: in vitro. Allele origin: not applicable. Functional consequence: retained intron. Not counted in ClinVar's aggregate classification.

Dr. Peter K. Rogan Lab, Western University
No classification provided (evidence only). Condition: Colon adenocarcinoma. Review status: no classification provided. Collection method: in vitro. Allele origin: not applicable. Functional consequence: retained intron. Not counted in ClinVar's aggregate classification.

Dr. Peter K. Rogan Lab, Western University
No classification provided (evidence only). Condition: Cervical cancer. Review status: no classification provided. Collection method: in vitro. Allele origin: not applicable. Functional consequence: retained intron. Not counted in ClinVar's aggregate classification.

Dr. Peter K. Rogan Lab, Western University
No classification provided (evidence only). Condition: Gastric cancer. Review status: no classification provided. Collection method: in vitro. Allele origin: not applicable. Functional consequence: retained intron. Not counted in ClinVar's aggregate classification.

Dr. Peter K. Rogan Lab, Western University
No classification provided (evidence only). Condition: Familial pancreatic carcinoma. Review status: no classification provided. Collection method: in vitro. Allele origin: not applicable. Functional consequence: retained intron. Not counted in ClinVar's aggregate classification.

Dr. Peter K. Rogan Lab, Western University
No classification provided (evidence only). Condition: Familial pancreatic carcinoma. Review status: no classification provided. Collection method: in vitro. Allele origin: not applicable. Functional consequence: retained intron. Not counted in ClinVar's aggregate classification.

Dr. Peter K. Rogan Lab, Western University
No classification provided (evidence only). Condition: Lymphoma. Review status: no classification provided. Collection method: in vitro. Allele origin: not applicable. Functional consequence: retained intron. Not counted in ClinVar's aggregate classification.

Genome Diagnostics Laboratory, University Medical Center Utrecht
Classification: Likely benign. Review status: no assertion criteria provided. Collection method: clinical testing. Allele origin: germline. Affected: yes. Study: VKGL Data-share Consensus. Not counted in ClinVar's aggregate classification.

Laboratory of Diagnostic Genome Analysis, Leiden University Medical Center (LUMC)
Classification: Likely benign. Review status: no assertion criteria provided. Collection method: clinical testing. Allele origin: germline. Affected: yes. Study: VKGL Data-share Consensus. Not counted in ClinVar's aggregate classification.